The following is an entry in ClinVar:

ClinVar aggregate classification (germline): Likely benign (1 of 4 stars; one submission).

gnomAD v4.1: 28 of 1,614,126 alleles (0.0017%); highest among the groups gnomAD compares: South Asian, 0.019%; no homozygotes.

Submission:

CeGaT Center for Human Genetics Tuebingen
Classification: Likely benign. Last evaluated: 2026-05-01. Review status: criteria provided, single submitter. Criteria: CeGaT Center For Human Genetics Tuebingen Variant Classification Criteria Version 2. Collection method: clinical testing. Allele origin: germline. Affected: yes. Observed: 1 variant allele.
Comment: ANGPTL7: BP4, BP7

NM_021146.4(ANGPTL7):c.126G>A (p.Ala42=)

Genes: ANGPTL7 (angiopoietin like 7; plus strand), MTOR (mechanistic target of rapamycin kinase; minus strand). Cytogenetic location: 1p36.22.
Variant type: single nucleotide variant.
Coding change: c.126G>A on transcript NM_021146.4 (MANE Select); coding-DNA position 126, G replaced by A.
Protein change: p.Ala42=; no amino-acid change (alanine 42 retained).
Molecular consequence: synonymous variant. On other transcripts: intron variant (3).
Genome position (GRCh38, 1-based): chr1:11,189,705, G>A. VCF-style: chr1-11189705-G-A. GRCh37 (hg19) VCF-style: chr1-11249762-G-A.
Other names: c.3005+9553C>T (NM_001386501.1); c.4253+9553C>T (NM_004958.4, NM_001386500.1).
Identifiers: ClinVar variation 4873005 (VCV004873005.2).